The following is an entry in ClinVar:

ClinVar aggregate classification (germline): Uncertain significance (1 of 4 stars; one submission).

Submission:

GeneDx
Classification: Uncertain significance. Last evaluated: 2025-02-23. Review status: criteria provided, single submitter. Criteria: GeneDx Variant Classification Process June 2021. Collection method: clinical testing. Allele origin: germline. Affected: yes.
Comment: Not observed at significant frequency in large population cohorts (gnomAD); In silico analysis supports a deleterious effect on splicing; Has not been previously published as pathogenic or benign to our knowledge

NM_001083962.2(TCF4):c.922+4A>G

Genes: TCF4 (transcription factor 4; minus strand), LOC126862757 (CDK7 strongly-dependent group 2 enhancer GRCh37_chr18:52936433-52937632; plus strand). Cytogenetic location: 18q21.2.
Variant type: single nucleotide variant.
Coding change: c.922+4A>G on transcript NM_001083962.2 (MANE Select); 4 bases into the intron after coding-DNA position 922, A replaced by G.
Molecular consequence: intron variant.
Genome position (GRCh38, 1-based): chr18:55,269,827, T>C on the plus strand (A>G on the coding strand, the complement: TCF4 is on the minus strand). VCF-style: chr18-55269827-T-C. GRCh37 (hg19) VCF-style: chr18-52937058-T-C.
Other names: c.1228+4A>G (NM_001243226.3); c.847+4A>G (NM_001369584.1, NM_001369576.1, NM_001369585.1 and 3 more transcripts); c.850+4A>G (NM_001369577.1, NM_001369582.1, NM_001243227.2 and 9 more transcripts); c.922+4A>G (NM_001369571.1, NM_001369567.1, NM_001369572.1 and 4 more transcripts); c.940+4A>G (NM_001243228.2); c.916+4A>G (NM_001243230.2); c.919+4A>G (NM_001369569.1, NM_001369573.1, NM_001369570.1); c.796+4A>G (NM_001243231.2, NM_001348211.2); and 4 more.
Identifiers: ClinVar variation 4076830 (VCV004076830.1).
Genomic context (GRCh38, chr18:55,269,827, plus strand): 5'-GGTCCTTGATGATTAAACTCTGACACCAATTGTTGGTATCAGAATTGGCATTTCTGTGAC[T>C]CACCCATTATACTGTCTGTCCCGTTGGCAGGAGGCGTACAGGAAGAGGTGCTGTAATGGT-3'